The following is an entry in ClinVar:

ClinVar aggregate classification (germline): Likely pathogenic (1 of 4 stars; one submission).

Conditions:
Fanconi anemia (FA). Also called: Fanconi's anemia. Identifiers: Orphanet 84, MedGen C0015625, MeSH D005199, MONDO:0019391.

Allele frequency attached by ClinVar (database versions not stated): gnomAD exomes below 0.00001.
gnomAD v4.1: 2 of 1,614,048 alleles (0.00012%); highest among the groups gnomAD compares: Non-Finnish European, 0.00017%; no homozygotes.

Submission:

Labcorp Genetics (formerly Invitae), Labcorp
Classification: Likely pathogenic for Fanconi anemia. Last evaluated: 2023-01-17. Review status: criteria provided, single submitter. Criteria: Invitae Variant Classification Sherloc (09022015). Collection method: clinical testing. Allele origin: germline.
Comment: This sequence change affects an acceptor splice site in intron 41 of the FANCD2 gene. It is expected to disrupt RNA splicing. Variants that disrupt the donor or acceptor splice site typically lead to a loss of protein function (PMID: 16199547), and loss-of-function variants in FANCD2 are known to be pathogenic (PMID: 17436244). This variant is not present in population databases (gnomAD no frequency). This variant has not been reported in the literature in individuals affected with FANCD2-related conditions. Algorithms developed to predict the effect of sequence changes on RNA splicing suggest that this variant may disrupt the consensus splice site. In summary, the currently available evidence indicates that the variant is pathogenic, but additional data are needed to prove that conclusively. Therefore, this variant has been classified as Likely Pathogenic.

Literature cited by the submitters: PubMed 16199547; PubMed 17436244.

NM_001018115.3(FANCD2):c.4039-2A>G

Genes: FANCD2 (FA complementation group D2; plus strand), FANCD2OS (FANCD2 opposite strand; minus strand). Cytogenetic location: 3p25.3.
Variant type: single nucleotide variant.
Coding change: c.4039-2A>G on transcript NM_001018115.3 (MANE Select); the canonical splice acceptor site of the intron before coding-DNA position 4039, A replaced by G.
Molecular consequence: splice acceptor variant. On other transcripts: intron variant (1).
Genome position (GRCh38, 1-based): chr3:10,096,324, A>G. VCF-style: chr3-10096324-A-G. GRCh37 (hg19) VCF-style: chr3-10138008-A-G.
Other names: c.4039-2A>G (NM_001319984.2, NM_033084.6); c.3928-2A>G (NM_001374253.1); c.4000-2A>G (NM_001374254.1); c.*43+7874T>C (NM_173472.2).
Identifiers: ClinVar variation 2917642 (VCV002917642.3), dbSNP rs2470086003, ClinGen allele CA351757537.